The following is an entry in ClinVar:

NM_001164508.2(NEB):c.5790_5797del (p.Asp1930fs)

Gene: NEB (nebulin; minus strand). Cytogenetic location: 2q23.3.
Variant type: Deletion.
Coding change: c.5790_5797del on transcript NM_001164508.2 (MANE Select); coding-DNA positions 5790 to 5797, 8 bases deleted (CTTCATGA; older notation c.5790_5797delCTTCATGA).
Protein change: p.Asp1930fs; shifts the reading frame from aspartic acid 1930.
Molecular consequence: frameshift variant.
Genome position (GRCh38, 1-based): chr2:151,662,308-151,662,315, TCATGAAG deleted on the plus strand (CTTCATGA on the coding strand, the reverse complement: NEB is on the minus strand); deleting any 8 consecutive bases within chr2:151,662,308-151,662,318 gives the same sequence; the c. name uses the placement nearest the transcript's 3' end. VCF-style (leftmost placement, unchanged base first): chr2-151662307-TTCATGAAG-T. GRCh37 (hg19) VCF-style: chr2-152518821-TTCATGAAG-T.
Other names: c.5790_5797del, p.Asp1930fs (NM_001164507.2, NM_001271208.2, NM_004543.5); short protein forms D1930fs.
Identifiers: ClinVar variation 5015692 (VCV005015692.1).

ClinVar aggregate classification (germline): Pathogenic (1 of 4 stars; one submission).

Conditions:
Nemaline myopathy 2 (NEM2). Also called: Nemaline myopathy 2, autosomal recessive. Identifiers: MedGen C1850569, MONDO:0009725, OMIM 256030.

Submission:

Myriad Genetics, Inc.
Classification: Pathogenic for Nemaline myopathy 2. Last evaluated: 2026-03-18. Review status: criteria provided, single submitter. Criteria: Myriad Autosomal Dominant, Autosomal Recessive and X-Linked Classification Criteria (2023). Collection method: clinical testing. Allele origin: unknown.
Comment: NM_001271208.1(NEB):c.5790_5797del8(D1930Efs*24) is expected to be pathogenic in the context of NEB-related nemaline myopathy. This variant is predicted to lead to an abnormal or absent protein product due to the creation of a premature termination codon in NEB, a gene where loss-of-function variants are known to be pathogenic. Please note: this variant was assessed in the context of healthy population screening.